The following is an entry in ClinVar:

NM_000488.4(SERPINC1):c.1000G>A (p.Glu334Lys)

Gene: SERPINC1 (serpin family C member 1; minus strand). Cytogenetic location: 1q25.1.
Variant type: single nucleotide variant.
Coding change: c.1000G>A on transcript NM_000488.4 (MANE Select); coding-DNA position 1000, G replaced by A.
Protein change: p.Glu334Lys; replaces glutamic acid 334 with lysine.
Molecular consequence: missense variant.
Genome position (GRCh38, 1-based): chr1:173,909,705, C>T on the plus strand (G>A on the coding strand, the complement: SERPINC1 is on the minus strand). VCF-style: chr1-173909705-C-T. GRCh37 (hg19) VCF-style: chr1-173878843-C-T.
Other names: c.856G>A, p.Glu286Lys (NM_001365052.2); c.1123G>A, p.Glu375Lys (NM_001386302.1); c.1081G>A, p.Glu361Lys (NM_001386303.1); c.979G>A, p.Glu327Lys (NM_001386304.1); c.943G>A, p.Glu315Lys (NM_001386305.1); c.784G>A, p.Glu262Lys (NM_001386306.1); short protein forms E262K, E315K, E361K, E375K, E327K, E286K, E334K.
Identifiers: ClinVar variation 2907090 (VCV002907090.3), dbSNP rs2526570330, ClinGen allele CA343773925.

ClinVar aggregate classification (germline): Uncertain significance (1 of 4 stars; one submission).

Conditions:
Hereditary antithrombin deficiency (AT3D). Also called: Antithrombin deficiency; Antithrombin III deficiency; Thrombophilia due to antithrombin III deficiency; Reduced antithrombin III activity. Identifiers: Orphanet 82, MedGen C0272375, MONDO:0013144, OMIM 613118, HP:0001976.

Allele frequency attached by ClinVar (database versions not stated): gnomAD exomes below 0.00001.
gnomAD v4.1: 3 of 1,614,166 alleles (0.00019%); highest among the groups gnomAD compares: Non-Finnish European, 0.000085%; no homozygotes.

Submission:

Labcorp Genetics (formerly Invitae), Labcorp
Classification: Uncertain significance for Hereditary antithrombin deficiency. Last evaluated: 2024-07-19. Review status: criteria provided, single submitter. Criteria: Invitae Variant Classification Sherloc (09022015). Collection method: clinical testing. Allele origin: germline.
Comment: This sequence change replaces glutamic acid, which is acidic and polar, with lysine, which is basic and polar, at codon 334 of the SERPINC1 protein (p.Glu334Lys). This variant is not present in population databases (gnomAD no frequency). This variant has not been reported in the literature in individuals affected with SERPINC1-related conditions. Advanced modeling of protein sequence and biophysical properties (such as structural, functional, and spatial information, amino acid conservation, physicochemical variation, residue mobility, and thermodynamic stability) performed at Invitae indicates that this missense variant is not expected to disrupt SERPINC1 protein function with a negative predictive value of 80%. In summary, the available evidence is currently insufficient to determine the role of this variant in disease. Therefore, it has been classified as a Variant of Uncertain Significance.